The following is an entry in ClinVar:

NM_001267550.2(TTN):c.58074T>C (p.Arg19358=)

Genes: TTN (titin; minus strand), TTN-AS1 (TTN antisense RNA 1; plus strand). Cytogenetic location: 2q31.2.
Variant type: single nucleotide variant.
Coding change: c.58074T>C on transcript NM_001267550.2 (MANE Select); coding-DNA position 58074, T replaced by C.
Protein change: p.Arg19358=; no amino-acid change (arginine 19358 retained).
Molecular consequence: synonymous variant.
Genome position (GRCh38, 1-based): chr2:178,594,420, A>G on the plus strand (T>C on the coding strand, the complement: TTN is on the minus strand). VCF-style: chr2-178594420-A-G. GRCh37 (hg19) VCF-style: chr2-179459147-A-G.
Other names: c.53151T>C, p.Arg17717= (NM_001256850.1); c.30879T>C, p.Arg10293= (NM_003319.4); c.31254T>C, p.Arg10418= (NM_133432.3); c.31455T>C, p.Arg10485= (NM_133437.4); c.50370T>C, p.Arg16790= (NM_133378.4).
Identifiers: ClinVar variation 47130 (VCV000047130.15), dbSNP rs397517632, ClinGen allele CA140081.

ClinVar aggregate classification (germline): Likely benign. Review status: criteria provided, multiple submitters, no conflicts (2 of 4 stars). 3 submissions from 3 submitters: Likely benign (3). Last evaluated 2024-07-01.

Conditions:
Cardiovascular phenotype. Identifiers: MedGen CN230736.
Dilated cardiomyopathy 1G (CMD1G). Identifiers: Orphanet 154, MedGen C1858763, MONDO:0011400, OMIM 604145.
Autosomal recessive limb-girdle muscular dystrophy type 2J (LGMDR10). Also called: Limb-girdle muscular dystrophy, type 2J; MUSCULAR DYSTROPHY, LIMB-GIRDLE, AUTOSOMAL RECESSIVE 10. Identifiers: Orphanet 140922, MedGen C1837342, MONDO:0012127, OMIM 608807.

Allele frequency attached by ClinVar (database versions not stated): gnomAD exomes below 0.00001 and 0.00001; ExAC 0.00002.
gnomAD v4.1: 5 of 1,612,124 alleles (0.00031%); highest among the groups gnomAD compares: East Asian, 0.0022%; no homozygotes.

Submissions (3):

Labcorp Genetics (formerly Invitae), Labcorp
Classification: Likely benign for Dilated cardiomyopathy 1G; Autosomal recessive limb-girdle muscular dystrophy type 2J. Last evaluated: 2024-07-01. Review status: criteria provided, single submitter. Criteria: Invitae Variant Classification Sherloc (09022015). Collection method: clinical testing. Allele origin: germline.

Ambry Genetics
Classification: Likely benign for Cardiovascular phenotype. Last evaluated: 2023-08-13. Review status: criteria provided, single submitter. Criteria: Ambry Variant Classification Scheme 2023. Collection method: clinical testing. Allele origin: germline.

Laboratory for Molecular Medicine, Mass General Brigham Personalized Medicine
Classification: Likely benign. Last evaluated: 2011-10-06. Review status: criteria provided, single submitter. Criteria: LMM Criteria. Collection method: clinical testing. Allele origin: germline. Observed: 1 variant allele.
Comment: Arg16790Arg in exon 245 of TTN: This variant does not change an amino acid and d oes not affect the splice consensus sequence. This makes a disease causing role very unlikely.